The following is an entry in ClinVar:

ClinVar aggregate classification (germline): Likely benign. Review status: criteria provided, multiple submitters, no conflicts (2 of 4 stars). 5 submissions from 5 submitters: Likely benign (4). 1 of the submissions does not count toward it. Last evaluated 2026-02-19.

Conditions:
SMAD6-related disease. Also called: SMAD6-related disorder; SMAD6-related condition. Identifiers: MedGen CN381596, MONDO:0700324.
Inborn genetic diseases. Identifiers: MedGen C0950123, MeSH D030342.
Aortic valve disease 2 (AOVD2). Identifiers: MedGen C3542024, MONDO:0013902, OMIM 614823.

Allele frequency attached by ClinVar (database versions not stated): ExAC below 0.00001; gnomAD exomes 0.00006; 1000 Genomes Project 0.00040; gnomAD 0.00082 and 0.00089; TOPMed 0.00083; 1000 Genomes Project 30x 0.00094.
gnomAD v4.1: 187 of 1,221,858 alleles (0.015%); highest among the groups gnomAD compares: African/African-American, 0.27%; no homozygotes.

Submissions (5):

PreventionGenetics, part of Exact Sciences
Classification: Likely benign for SMAD6-related condition. Last evaluated: 2026-02-19. Review status: criteria provided, single submitter. Criteria: ACMG Guidelines, 2015. Collection method: clinical testing. Allele origin: germline.
Comment: This variant is classified as likely benign based on ACMG/AMP sequence variant interpretation guidelines (Richards et al. 2015 PMID: 25741868, with internal and published modifications).

Labcorp Genetics (formerly Invitae), Labcorp
Classification: Likely benign for Aortic valve disease 2. Last evaluated: 2025-11-03. Review status: criteria provided, single submitter. Criteria: Invitae Variant Classification Sherloc (09022015). Collection method: clinical testing. Allele origin: germline.

Women's Health and Genetics/Laboratory Corporation of America, LabCorp
Classification: Likely benign. Last evaluated: 2025-06-13. Review status: criteria provided, single submitter. Criteria: LabCorp Variant Classification Summary - May 2015. Collection method: clinical testing. Allele origin: germline.
Comment: Variant summary: SMAD6 c.290G>A (p.Gly97Glu) results in a non-conservative amino acid change in the encoded protein sequence. Algorithms developed to predict the effect of missense changes on protein structure and function are either unavailable or do not agree on the potential impact of this missense change. The variant allele was found at a frequency of 0.00015 in 1221858 control chromosomes, predominantly at a frequency of 0.0027 within the African or African-American subpopulation in the gnomAD database. The observed variant frequency within African or African-American control individuals in the gnomAD database is approximately 86-fold of the estimated maximal expected allele frequency for a pathogenic variant in SMAD6 causing Aortic Valve Disease phenotype (3.1e-05). c.290G>A has been observed at least once in a cohort of individuals with bicuspid aortic valve and/or thoracic aortic aneurysms or acute aortic dissections (Musfee_2020). This report does not provide unequivocal conclusions about association of the variant with Aortic Valve Disease. To our knowledge, no experimental evidence demonstrating an impact on protein function has been reported. The following publication has been ascertained in the context of this evaluation (PMID: 32748548). ClinVar contains an entry for this variant (Variation ID: 405513). Based on the evidence outlined above, the variant was classified as likely benign.

Ambry Genetics
Classification: Likely benign for Inborn genetic diseases. Last evaluated: 2023-02-28. Review status: criteria provided, single submitter. Criteria: Ambry Variant Classification Scheme 2023. Collection method: clinical testing. Allele origin: germline.

Department of Pathology and Laboratory Medicine, Sinai Health System
Classification: Uncertain significance. Review status: no assertion criteria provided. Collection method: clinical testing. Allele origin: unknown. Affected: yes. Study: The Canadian Open Genetics Repository (COGR). Not counted in ClinVar's aggregate classification.
Comment: The SMAD6 p.Gly97Glu variant was not identified in the literature nor was it identified in LOVD 3.0. The variant was identified in dbSNP (ID: rs566777509) and ClinVar (classified as likely benign by Invitae). The variant was identified in control databases in 25 of 34258 chromosomes at a frequency of 0.0007298 (Genome Aggregation Database March 6, 2019, v2.1.1). The variant was observed in the following populations: African in 22 of 8598 chromosomes (freq: 0.002559), Other in 1 of 1044 chromosomes (freq: 0.000958) and European (non-Finnish) in 2 of 15732 chromosomes (freq: 0.000127), but was not observed in the Latino, Ashkenazi Jewish, East Asian, European (Finnish), or South Asian populations. The p.Gly97 residue is conserved in mammals and computational analyses (PolyPhen-2, SIFT, AlignGVGD, BLOSUM, MutationTaster) provide inconsistent predictions regarding the impact to the protein; this information is not very predictive of pathogenicity. The variant occurs outside of the splicing consensus sequence and in silico or computational prediction software programs (SpliceSiteFinder, MaxEntScan, NNSPLICE, GeneSplicer) do not predict a difference in splicing. In summary, based on the above information the clinical significance of this variant cannot be determined with certainty at this time. This variant is classified as a variant of uncertain significance.

Literature cited by the submitters: PubMed 32748548 (cited by Women's Health and Genetics/Laboratory Corporation of America, LabCorp).

NM_005585.5(SMAD6):c.290G>A (p.Gly97Glu)

Gene: SMAD6 (SMAD family member 6; plus strand). Cytogenetic location: 15q22.31.
Variant type: single nucleotide variant.
Coding change: c.290G>A on transcript NM_005585.5 (MANE Select); coding-DNA position 290, G replaced by A.
Protein change: p.Gly97Glu; replaces glycine 97 with glutamic acid.
Molecular consequence: missense variant. On other transcripts: non-coding transcript variant (1).
Genome position (GRCh38, 1-based): chr15:66,703,548, G>A. VCF-style: chr15-66703548-G-A. GRCh37 (hg19) VCF-style: chr15-66995886-G-A.
Other names: short protein forms G97E.
Identifiers: ClinVar variation 405513 (VCV000405513.16), dbSNP rs566777509, ClinGen allele CA7626452.